The following is an entry in ClinVar:

NM_004444.5(EPHB4):c.2420G>A (p.Gly807Glu)

Genes: EPHB4 (EPH receptor B4; minus strand), LOC126860124 (CDK7 strongly-dependent group 2 enhancer GRCh37_chr7:100403701-100404900; plus strand). Cytogenetic location: 7q22.1.
Variant type: single nucleotide variant.
Coding change: c.2420G>A on transcript NM_004444.5 (MANE Select); coding-DNA position 2420, G replaced by A.
Protein change: p.Gly807Glu; replaces glycine 807 with glutamic acid.
Molecular consequence: missense variant.
Genome position (GRCh38, 1-based): chr7:100,806,484, C>T on the plus strand (G>A on the coding strand, the complement: EPHB4 is on the minus strand). VCF-style: chr7-100806484-C-T. GRCh37 (hg19) VCF-style: chr7-100404106-C-T.
Other names: short protein forms G807E.
Identifiers: ClinVar variation 1698833 (VCV001698833.3), dbSNP rs2116416678, ClinGen allele CA368567633.

ClinVar aggregate classification (germline): Likely pathogenic (1 of 4 stars; one submission).

Conditions:
Capillary malformation-arteriovenous malformation 2 (CMAVM2). Identifiers: Orphanet 693912, MedGen C4748670, MONDO:0020785, OMIM 618196.

Submission:

Genetics and Molecular Pathology, SA Pathology
Classification: Likely pathogenic for Capillary malformation-arteriovenous malformation 2. Last evaluated: 2021-06-03. Review status: criteria provided, single submitter. Criteria: ACMG Guidelines, 2015. Collection method: clinical testing. Allele origin: germline. Inheritance: Autosomal dominant inheritance. Affected: yes.
Comment: The EPHB4 c.2420G>A variant is classified as LIKELY PATHOGENIC (PM1, PM2, PP3, PM5_Supporting) The EPHB4 c.2420G>A variant is a single nucleotide change in exon 14 of the EPHB4 gene, which is predicted to change the amino acid glycine at position 807 in the protein to glutamic acid. This variant is absent from population databases (PM2). This variant is located in the protein kinase catalytic domain and is predicted to impact protein function (PM1), and the different amino acid change p.Gly807Arg has been reported in two probands with arteriovenous malformations (Amyere et al, 2017; PMID:28687708). Computational predictions support a deleterious effect on the gene or gene product (PP3). This variant has not been reported in ClinVar or HGMD.

Literature cited by the submitters: PubMed 28687708.